The following is an entry in ClinVar:

ClinVar aggregate classification (germline): Uncertain significance (1 of 4 stars; one submission).

Submission:

Mayo Clinic Laboratories, Mayo Clinic
Classification: Uncertain significance. Last evaluated: 2024-03-11. Review status: criteria provided, single submitter. Criteria: ACMG Guidelines, 2015. Collection method: clinical testing. Allele origin: germline. Observed: 1 variant allele.
Comment: BP4, PM2

NM_015627.3(LDLRAP1):c.466G>A (p.Ala156Thr)

Gene: LDLRAP1 (low density lipoprotein receptor adaptor protein 1; plus strand). Cytogenetic location: 1p36.11.
Variant type: single nucleotide variant.
Coding change: c.466G>A on transcript NM_015627.3 (MANE Select); coding-DNA position 466, G replaced by A.
Protein change: p.Ala156Thr; replaces alanine 156 with threonine.
Molecular consequence: missense variant.
Genome position (GRCh38, 1-based): chr1:25,562,650, G>A. VCF-style: chr1-25562650-G-A. GRCh37 (hg19) VCF-style: chr1-25889141-G-A.
Other names: p.Ala156Thr; short protein forms A156T.
Identifiers: ClinVar variation 3379509 (VCV003379509.1).